The following is an entry in ClinVar:

ClinVar aggregate classification (germline): Uncertain significance. Review status: criteria provided, multiple submitters, no conflicts (2 of 4 stars). 2 submissions from 2 submitters: Uncertain significance (2). Last evaluated 2024-05-21.

Conditions:
Neurofibromatosis, type 1 (NF1). Also called: Peripheral type neurofibromatosis; Neurofibromatosis, type I; VON RECKLINGHAUSEN DISEASE; NEUROFIBROMATOSIS, TYPE I, SOMATIC. Identifiers: Orphanet 636, MedGen C0027831, MONDO:0018975, OMIM 162200. Disease mechanism: loss of function.
Cardiovascular phenotype. Identifiers: MedGen CN230736.
Hereditary cancer-predisposing syndrome. Also called: Hereditary Cancer Syndrome; Hereditary neoplastic syndrome; Neoplastic Syndromes, Hereditary; Tumor predisposition. Identifiers: Orphanet 140162, MedGen C0027672, MeSH D009386, MONDO:0015356.

Submissions (2):

Labcorp Genetics (formerly Invitae), Labcorp
Classification: Uncertain significance for Neurofibromatosis, type 1. Last evaluated: 2024-05-21. Review status: criteria provided, single submitter. Criteria: Invitae Variant Classification Sherloc (09022015). Collection method: clinical testing. Allele origin: germline.
Comment: This sequence change replaces glutamic acid, which is acidic and polar, with glutamine, which is neutral and polar, at codon 2123 of the NF1 protein (p.Glu2123Gln). This variant is not present in population databases (gnomAD no frequency). This variant has not been reported in the literature in individuals affected with NF1-related conditions. An algorithm developed to predict the effect of missense changes on protein structure and function (PolyPhen-2) suggests that this variant is likely to be disruptive. In summary, the available evidence is currently insufficient to determine the role of this variant in disease. Therefore, it has been classified as a Variant of Uncertain Significance.

Ambry Genetics
Classification: Uncertain significance for Cardiovascular phenotype; Hereditary cancer-predisposing syndrome. Last evaluated: 2023-03-28. Review status: criteria provided, single submitter. Criteria: Ambry Variant Classification Scheme 2023. Collection method: clinical testing. Allele origin: germline.
Comment: The p.E2123Q variant (also known as c.6367G>C), located in coding exon 42 of the NF1 gene, results from a G to C substitution at nucleotide position 6367. The glutamic acid at codon 2123 is replaced by glutamine, an amino acid with highly similar properties. This amino acid position is highly conserved in available vertebrate species. In addition, the in silico prediction for this alteration is inconclusive. Since supporting evidence is limited at this time, the clinical significance of this alteration remains unclear.

NM_001042492.3(NF1):c.6430G>C (p.Glu2144Gln)

Gene: NF1 (neurofibromin 1; plus strand). Cytogenetic location: 17q11.2.
Variant type: single nucleotide variant.
Coding change: c.6430G>C on transcript NM_001042492.3 (MANE Select); coding-DNA position 6430, G replaced by C.
Protein change: p.Glu2144Gln; replaces glutamic acid 2144 with glutamine.
Molecular consequence: missense variant.
Genome position (GRCh38, 1-based): chr17:31,337,370, G>C. VCF-style: chr17-31337370-G-C. GRCh37 (hg19) VCF-style: chr17-29664388-G-C.
Other names: c.6367G>C, p.Glu2123Gln (NM_000267.4); short protein forms E2123Q, E2144Q.
Identifiers: ClinVar variation 2876544 (VCV002876544.4), dbSNP rs1567617371, ClinGen allele CA399012990.